The following is an entry in ClinVar:

NM_020778.5(ALPK3):c.3169G>A (p.Ala1057Thr)

Gene: ALPK3 (alpha kinase 3; plus strand). Cytogenetic location: 15q25.3.
Variant type: single nucleotide variant.
Coding change: c.3169G>A on transcript NM_020778.5 (MANE Select); coding-DNA position 3169, G replaced by A.
Protein change: p.Ala1057Thr; replaces alanine 1057 with threonine.
Molecular consequence: missense variant.
Genome position (GRCh38, 1-based): chr15:84,857,907, G>A. VCF-style: chr15-84857907-G-A. GRCh37 (hg19) VCF-style: chr15-85401138-G-A.
Other names: short protein forms A1057T.
Identifiers: ClinVar variation 1434711 (VCV001434711.10), dbSNP rs769870094, ClinGen allele CA7709567.

ClinVar aggregate classification (germline): Uncertain significance. Review status: criteria provided, multiple submitters, no conflicts (2 of 4 stars). 3 submissions from 3 submitters: Uncertain significance (3). Last evaluated 2026-04-30.

Conditions:
ALPK3-related disorder. Also called: ALPK3-related condition.
Cardiovascular phenotype. Identifiers: MedGen CN230736.

Allele frequency attached by ClinVar (database versions not stated): ExAC 0.00002; gnomAD 0.00003; TOPMed 0.00003.
gnomAD v4.1: 17 of 1,611,280 alleles (0.0011%); highest among the groups gnomAD compares: African/African-American, 0.0067%; 1 homozygote.

Submissions (3):

PreventionGenetics, part of Exact Sciences
Classification: Uncertain significance for ALPK3-related condition. Last evaluated: 2026-04-30. Review status: criteria provided, single submitter. Criteria: ACMG Guidelines, 2015. Collection method: clinical testing. Allele origin: germline.
Comment: The ALPK3 c.3775G>A variant is predicted to result in the amino acid substitution p.Ala1259Thr. To our knowledge, this variant has not been reported in the literature. This variant is reported in 0.0084% of alleles in individuals of African descent in gnomAD. At this time, the clinical significance of this variant is uncertain due to the absence of conclusive functional and genetic evidence.

Ambry Genetics
Classification: Uncertain significance for Cardiovascular phenotype. Last evaluated: 2025-05-24. Review status: criteria provided, single submitter. Criteria: Ambry Variant Classification Scheme 2023. Collection method: clinical testing. Allele origin: germline.
Comment: The p.A1259T variant (also known as c.3775G>A), located in coding exon 6 of the ALPK3 gene, results from a G to A substitution at nucleotide position 3775. The alanine at codon 1259 is replaced by threonine, an amino acid with similar properties. This amino acid position is conserved. In addition, this alteration is predicted to be tolerated by in silico analysis. Since supporting evidence is limited at this time, the clinical significance of this alteration remains unclear.

Labcorp Genetics (formerly Invitae), Labcorp
Classification: Uncertain significance. Last evaluated: 2025-04-10. Review status: criteria provided, single submitter. Criteria: Invitae Variant Classification Sherloc (09022015). Collection method: clinical testing. Allele origin: germline.
Comment: This sequence change replaces alanine, which is neutral and non-polar, with threonine, which is neutral and polar, at codon 1259 of the ALPK3 protein (p.Ala1259Thr). This variant is present in population databases (rs769870094, gnomAD 0.009%). This variant has not been reported in the literature in individuals affected with ALPK3-related conditions. ClinVar contains an entry for this variant (Variation ID: 1434711). Invitae Evidence Modeling of protein sequence and biophysical properties (such as structural, functional, and spatial information, amino acid conservation, physicochemical variation, residue mobility, and thermodynamic stability) indicates that this missense variant is not expected to disrupt ALPK3 protein function with a negative predictive value of 80%. In summary, the available evidence is currently insufficient to determine the role of this variant in disease. Therefore, it has been classified as a Variant of Uncertain Significance.